The following is an entry in ClinVar:

ClinVar aggregate classification (germline): Uncertain significance (1 of 4 stars; one submission).

Conditions:
Myofibrillar myopathy 5. Also called: Filaminopathy (type); FILAMINOPATHY, AUTOSOMAL DOMINANT. Identifiers: Orphanet 171445, MedGen C1836050, MONDO:0012289, OMIM 609524.
Distal myopathy with posterior leg and anterior hand involvement. Also called: WILLIAMS DISTAL MYOPATHY. Identifiers: Orphanet 63273, MedGen C3279722, MONDO:0013550, OMIM 614065.
Hypertrophic cardiomyopathy 26. Also called: Cardiomyopathy, familial hypertrophic, 26. Identifiers: Orphanet 75249, MedGen C4310749, MONDO:0014883, OMIM 617047.

Submission:

Labcorp Genetics (formerly Invitae), Labcorp
Classification: Uncertain significance for Distal myopathy with posterior leg and anterior hand involvement; Myofibrillar myopathy 5; Hypertrophic cardiomyopathy 26. Last evaluated: 2022-03-08. Review status: criteria provided, single submitter. Criteria: Invitae Variant Classification Sherloc (09022015). Collection method: clinical testing. Allele origin: germline.
Comment: In summary, the available evidence is currently insufficient to determine the role of this variant in disease. Therefore, it has been classified as a Variant of Uncertain Significance. Algorithms developed to predict the effect of missense changes on protein structure and function are either unavailable or do not agree on the potential impact of this missense change (SIFT: "Deleterious"; PolyPhen-2: "Possibly Damaging"; Align-GVGD: "Class C0"). This sequence change replaces glutamic acid, which is acidic and polar, with alanine, which is neutral and non-polar, at codon 318 of the FLNC protein (p.Glu318Ala). This variant is not present in population databases (gnomAD no frequency). This variant has not been reported in the literature in individuals affected with FLNC-related conditions.

NM_001458.5(FLNC):c.953A>C (p.Glu318Ala)

Gene: FLNC (filamin C; plus strand). Cytogenetic location: 7q32.1.
Variant type: single nucleotide variant.
Coding change: c.953A>C on transcript NM_001458.5 (MANE Select); coding-DNA position 953, A replaced by C.
Protein change: p.Glu318Ala; replaces glutamic acid 318 with alanine.
Molecular consequence: missense variant.
Genome position (GRCh38, 1-based): chr7:128,837,739, A>C. VCF-style: chr7-128837739-A-C. GRCh37 (hg19) VCF-style: chr7-128477793-A-C.
Other names: c.953A>C, p.Glu318Ala (NM_001127487.2); short protein forms E318A.
Identifiers: ClinVar variation 1498824 (VCV001498824.8), dbSNP rs2128934254, ClinGen allele CA369223245.